The following is an entry in ClinVar:

NM_005188.4(CBL):c.1027C>T (p.Arg343Ter)

Gene: CBL (Cbl proto-oncogene; plus strand). Cytogenetic location: 11q23.3.
Variant type: single nucleotide variant.
Coding change: c.1027C>T on transcript NM_005188.4 (MANE Select); coding-DNA position 1027, C replaced by T.
Protein change: p.Arg343Ter; replaces arginine 343 with a stop codon.
Molecular consequence: nonsense.
Genome position (GRCh38, 1-based): chr11:119,277,776, C>T. VCF-style: chr11-119277776-C-T. GRCh37 (hg19) VCF-style: chr11-119148486-C-T.
Other names: c.1027C>T (NM_005188.2); short protein forms R343*.
Identifiers: ClinVar variation 1421913 (VCV001421913.11), dbSNP rs765471101, ClinGen allele CA6318412.

ClinVar aggregate classification (germline): Conflicting classifications of pathogenicity. Review status: criteria provided, conflicting classifications (1 of 4 stars). 5 submissions from 5 submitters: Pathogenic (1); Uncertain significance (4). Last evaluated 2026-04-01.

Conditions:
RASopathy. Also called: Noonan spectrum disorder; rasopathies. Identifiers: Orphanet 536391, MedGen C5555857, MONDO:0021060.
CBL-related disorder. Also called: CBL MUTATION-ASSOCIATED SYNDROME; CBL SYNDROME; NOONAN SYNDROME-LIKE DISORDER WITHOUT JUVENILE MYELOMONOCYTIC LEUKEMIA. Identifiers: Orphanet 363972, MedGen C3150803, MONDO:0013308, OMIM 613563.
Juvenile myelomonocytic leukemia (JMML). Also called: LEUKEMIA, JUVENILE MYELOMONOCYTIC, SOMATIC. Identifiers: Orphanet 86834, MedGen C0349639, MONDO:0011908, OMIM 607785, HP:0012209.

Allele frequency attached by ClinVar (database versions not stated): gnomAD 0.00001; TOPMed 0.00001.
gnomAD v4.1: 5 of 1,613,422 alleles (0.00031%); highest among the groups gnomAD compares: South Asian, 0.0011%; no homozygotes.

Submissions (5):

Department of Genetics, Sultan Qaboos University Hospital
Classification: Pathogenic for CBL-related disorder. Last evaluated: 2026-04-01. Review status: criteria provided, single submitter. Criteria: ACMG Guidelines, 2015. Collection method: clinical testing. Allele origin: germline. Affected: yes. Observed: 1 variant allele.
Comment: PVS1, PM6_Moderate, PM2_Supporting

Labcorp Genetics (formerly Invitae), Labcorp
Classification: Uncertain significance for RASopathy. Last evaluated: 2025-12-03. Review status: criteria provided, single submitter. Criteria: Invitae Variant Classification Sherloc (09022015). Collection method: clinical testing. Allele origin: germline.
Comment: This sequence change creates a premature translational stop signal (p.Arg343*) in the CBL gene. It is expected to result in an absent or disrupted protein product. However, the current clinical and genetic evidence is not sufficient to establish whether loss-of-function variants in CBL cause disease. This variant is present in population databases (rs765471101, gnomAD 0.0009%). This variant has not been reported in the literature in individuals affected with CBL-related conditions. ClinVar contains an entry for this variant (Variation ID: 1421913). In summary, the available evidence is currently insufficient to determine the role of this variant in disease. Therefore, it has been classified as a Variant of Uncertain Significance.

GeneDx
Classification: Uncertain significance. Last evaluated: 2025-10-21. Review status: criteria provided, single submitter. Criteria: GeneDx Variant Classification Process June 2021. Collection method: clinical testing. Allele origin: germline.
Comment: Predicted loss-of-function variant in a gene for which the disease mechanism is known to be gain of function; Has not been previously published as pathogenic or benign to our knowledge; This variant is associated with the following publications: (PMID: 35173275)

PreventionGenetics, part of Exact Sciences
Classification: Uncertain significance for CBL-related condition. Last evaluated: 2025-07-11. Review status: criteria provided, single submitter. Criteria: ACMG Guidelines, 2015. Collection method: clinical testing. Allele origin: germline.
Comment: The CBL c.1027C>T variant is predicted to result in premature protein termination (p.Arg343*). To our knowledge, this variant has not been reported in the literature. This variant is reported in 0.00088% of alleles in individuals of European (non-Finnish) descent in gnomAD. At this time, the clinical significance of this variant is uncertain due to the absence of conclusive functional and genetic evidence.

Fulgent Genetics
Classification: Uncertain significance for Juvenile myelomonocytic leukemia; CBL-related disorder. Last evaluated: 2024-03-13. Review status: criteria provided, single submitter. Criteria: ACMG Guidelines, 2015. Collection method: clinical testing. Allele origin: germline.